The following is an entry in ClinVar:

ClinVar aggregate classification (germline): Benign. Review status: criteria provided, multiple submitters, no conflicts (2 of 4 stars). 3 submissions from 3 submitters: Benign (3). Last evaluated 2026-01-23.

Conditions:
Congenital stromal corneal dystrophy (CSCD). Identifiers: Orphanet 101068, MedGen C1864738, MONDO:0012401, OMIM 610048.

Allele frequency attached by ClinVar (database versions not stated): gnomAD exomes 0.00184 and 0.00491; ExAC 0.00587; gnomAD 0.01702 and 0.01829; ESP Exome Variant Server 0.01907; TOPMed 0.01962; 1000 Genomes Project 0.02117; 1000 Genomes Project 30x 0.02264.
gnomAD v4.1: 5,422 of 1,612,534 alleles (0.34%); highest among the groups gnomAD compares: African/African-American, 5.9%; 137 homozygotes.

Submissions (3):

Labcorp Genetics (formerly Invitae), Labcorp
Classification: Benign. Last evaluated: 2026-01-23. Review status: criteria provided, single submitter. Criteria: Invitae Variant Classification Sherloc (09022015). Collection method: clinical testing. Allele origin: germline.

Illumina Laboratory Services, Illumina
Classification: Benign for Congenital stromal corneal dystrophy. Last evaluated: 2018-01-13. Review status: criteria provided, single submitter. Criteria: ICSL Variant Classification Criteria 13 December 2019. Collection method: clinical testing. Allele origin: germline.
Comment: This variant was observed in the ICSL laboratory as part of a predisposition screen in an ostensibly healthy population. It had not been previously curated by ICSL or reported in the Human Gene Mutation Database (HGMD: prior to June 1st, 2018), and was therefore a candidate for classification through an automated scoring system. Utilizing variant allele frequency, disease prevalence and penetrance estimates, and inheritance mode, an automated score was calculated to assess if this variant is too frequent to cause the disease. Based on the score and internal cut-off values, a variant classified as benign is not then subjected to further curation. The score for this variant resulted in a classification of benign for this disease.

Breakthrough Genomics
Classification: Benign. Review status: criteria provided, single submitter. Criteria: ACMG Guidelines, 2015. Collection method: not provided. Allele origin: germline. Inheritance: Autosomal dominant inheritance. Affected: yes.

NM_001920.5(DCN):c.282C>T (p.Thr94=)

Gene: DCN (decorin; minus strand). Cytogenetic location: 12q21.33.
Variant type: single nucleotide variant.
Coding change: c.282C>T on transcript NM_001920.5 (MANE Select); coding-DNA position 282, C replaced by T.
Protein change: p.Thr94=; no amino-acid change (threonine 94 retained).
Molecular consequence: synonymous variant. On other transcripts: intron variant (3).
Genome position (GRCh38, 1-based): chr12:91,164,647, G>A on the plus strand (C>T on the coding strand, the complement: DCN is on the minus strand). VCF-style: chr12-91164647-G-A. GRCh37 (hg19) VCF-style: chr12-91558424-G-A.
Other names: c.282C>T, p.Thr94= (NM_133503.4, NM_133506.3); c.211+13695C>T (NM_133507.3); c.212-11458C>T (NM_133505.3); c.212-7459C>T (NM_133504.3).
Identifiers: ClinVar variation 310660 (VCV000310660.14), dbSNP rs3138221, ClinGen allele CA6717111.
Genomic context (GRCh38, chr12:91,164,647, plus strand): 5'-AAAAAAAATAGTTCTTACGTGAAGGTTCTTCAGGTTCTTAAAGTCTCCATCTTTGATTTC[G>A]GTTATTTTGTTGTTTTGCAGGTCTAGCAGAGTTGTGTCAGGGGGAAGATCCTTTGGCACT-3'
Protein context (NP_001911.1, residues 84-104): TLLDLQNNKI[Thr94=]EIKDGDFKNL